The following is an entry in ClinVar:

NM_000287.4(PEX6):c.1885-7_1895del

Gene: PEX6 (peroxisomal biogenesis factor 6; minus strand). Cytogenetic location: 6p21.1.
Variant type: Deletion.
Coding change: c.1885-7_1895del on transcript NM_000287.4 (MANE Select); 7 bases into the intron before coding-DNA position 1885 through coding-DNA position 1895, 18 bases deleted (TCCCTAGGGCTTTGTGGT).
Molecular consequence: splice acceptor variant.
Genome position (GRCh38, 1-based): chr6:42,966,848-42,966,865, ACCACAAAGCCCTAGGGA deleted on the plus strand (TCCCTAGGGCTTTGTGGT on the coding strand, the reverse complement: PEX6 is on the minus strand); deleting any 18 consecutive bases within chr6:42,966,848-42,966,871 gives the same sequence; the c. name uses the placement nearest the transcript's 3' end. VCF-style (leftmost placement, unchanged base first): chr6-42966847-TACCACAAAGCCCTAGGGA-T. GRCh37 (hg19) VCF-style: chr6-42934585-TACCACAAAGCCCTAGGGA-T.
Other names: c.1621-7_1631del (NM_001316313.2).
Identifiers: ClinVar variation 5004850 (VCV005004850.1).

ClinVar aggregate classification (germline): Likely pathogenic (1 of 4 stars; one submission).

Conditions:
Peroxisome biogenesis disorder. Identifiers: Orphanet 79189, MedGen C1832200, MONDO:0019234. Disease mechanism: loss of function.

Submission:

Myriad Genetics, Inc.
Classification: Likely pathogenic for Peroxisome biogenesis disorder. Last evaluated: 2026-08-21. Review status: criteria provided, single submitter. Criteria: Myriad Autosomal Dominant, Autosomal Recessive and X-Linked Classification Criteria (2023). Collection method: clinical testing. Allele origin: unknown.
Comment: NM_000287.3(PEX6):c.1885-7_1895del18 is a variant in a canonical splice site classified as likely pathogenic in the context of peroxisome biogenesis disorder type 4. c.1885-7_1895del18 has not been observed in cases with relevant disease. Relevant functional assessments of this variant are not available in the literature. c.1885-7_1895del18 has not been observed in referenced population frequency databases. In summary, NM_000287.3(PEX6):c.1885-7_1895del18 is a variant in a canonical splice site in a gene where loss of function is a known mechanism of disease and is predicted to disrupt protein function. Please note: this variant was assessed in the context of healthy population screening.